The following is an entry in ClinVar:

NM_000203.5(IDUA):c.158+1G>A

Genes: IDUA (alpha-L-iduronidase; plus strand), SLC26A1 (solute carrier family 26 member 1; minus strand). Cytogenetic location: 4p16.3.
Variant type: single nucleotide variant.
Coding change: c.158+1G>A on transcript NM_000203.5 (MANE Select); the canonical splice donor site of the intron after coding-DNA position 158, G replaced by A.
Molecular consequence: splice donor variant. On other transcripts: intron variant (1).
Genome position (GRCh38, 1-based): chr4:987,243, G>A. VCF-style: chr4-987243-G-A. GRCh37 (hg19) VCF-style: chr4-981031-G-A.
Other names: c.576+3885C>T (NM_134425.4).
Identifiers: ClinVar variation 526835 (VCV000526835.11), dbSNP rs1264013707, ClinGen allele CA355945713.

ClinVar aggregate classification (germline): Pathogenic. Review status: criteria provided, multiple submitters, no conflicts (2 of 4 stars). 2 submissions from 2 submitters: Pathogenic (2). Last evaluated 2023-03-08.

Conditions:
Mucopolysaccharidosis type 1. Also called: IDUA deficiency; MPS I; Mucopolysaccharidosis Type I. Identifiers: Orphanet 579, MedGen C0023786, MONDO:0001586.

Allele frequency attached by ClinVar (database versions not stated): gnomAD exomes 0.00001 and below 0.00001; TOPMed 0.00001.
gnomAD v4.1: 5 of 1,514,302 alleles (0.00033%); highest among the groups gnomAD compares: Non-Finnish European, 0.00035%; no homozygotes.

Submissions (2):

Labcorp Genetics (formerly Invitae), Labcorp
Classification: Pathogenic for Mucopolysaccharidosis type 1. Last evaluated: 2023-03-08. Review status: criteria provided, single submitter. Criteria: Invitae Variant Classification Sherloc (09022015). Collection method: clinical testing. Allele origin: germline.
Comment: ClinVar contains an entry for this variant (Variation ID: 526835). This sequence change affects a donor splice site in intron 1 of the IDUA gene. It is expected to disrupt RNA splicing. Variants that disrupt the donor or acceptor splice site typically lead to a loss of protein function (PMID: 16199547), and loss-of-function variants in IDUA are known to be pathogenic (PMID: 11735025, 21480867). This variant is present in population databases (no rsID available, gnomAD 0.003%). Disruption of this splice site has been observed in individual(s) with Hurler syndrome (PMID: 28752568; Invitae). Algorithms developed to predict the effect of sequence changes on RNA splicing suggest that this variant may disrupt the consensus splice site. For these reasons, this variant has been classified as Pathogenic.

Broad Center for Mendelian Genomics, Broad Institute of MIT and Harvard
Classification: Pathogenic for Mucopolysaccharidosis type 1. Last evaluated: 2020-01-13. Review status: criteria provided, single submitter. Criteria: ACMG Guidelines, 2015. Collection method: curation. Allele origin: germline. Inheritance: Autosomal recessive inheritance.
Comment: The c.158+1G>A variant in IDUA has been reported in 1 individual with mucopolysaccharidosis (MPS) (PMID: 2872568) and has been identified in 0.002% (1/41250) of European (non-Finnish) chromosomes by the Genome Aggregation Database (gnomAD; dbSNP rs1264013707). Although this variant has been seen in the general population, its frequency is low enough to be consistent with a recessive carrier frequency. This variant has also been reported in ClinVar (VariationID: 526835) as likely pathogenic by Invitae. This variant occurs in the invariant region (+/- 1/2) of the splice consensus sequence and is predicted to cause altered splicing leading to an abnormal or absent protein. Loss of function of the IDUA gene is an established disease mechanism in autosomal recessive MPS.The presence of this variant in combination with a reported pathogenic variant and in an individual with MPS increases the likelihood that the c.158+1G>A variant is pathogenic (VariationID: 11908; PMID: 2872568). In summary, this variant meets criteria to be classified as pathogenic for MPS in an autosomal recessive manner based on the prediction that it will cause loss of function, its low frequency in the general population, and the presence of the variant in combination with another pathogenic variant in an individual with MPS. ACMG/AMP Criteria applied: PVS1, PM2, PM3_supporting (Richards 2015).

Literature cited by the submitters: PubMed 16199547 (cited by Labcorp Genetics (formerly Invitae), Labcorp); PubMed 11735025 (cited by Labcorp Genetics (formerly Invitae), Labcorp); PubMed 21480867 (cited by Labcorp Genetics (formerly Invitae), Labcorp); PubMed 28752568 (cited by Labcorp Genetics (formerly Invitae), Labcorp and Broad Center for Mendelian Genomics, Broad Institute of MIT and Harvard).